The following is an entry in ClinVar:

NM_001291303.3(FAT4):c.10570C>T (p.Arg3524Trp)

Gene: FAT4 (FAT atypical cadherin 4; plus strand). Cytogenetic location: 4q28.1.
Variant type: single nucleotide variant.
Coding change: c.10570C>T on transcript NM_001291303.3 (MANE Select); coding-DNA position 10570, C replaced by T.
Protein change: p.Arg3524Trp; replaces arginine 3524 with tryptophan.
Molecular consequence: missense variant.
Genome position (GRCh38, 1-based): chr4:125,451,580, C>T. VCF-style: chr4-125451580-C-T. GRCh37 (hg19) VCF-style: chr4-126372735-C-T.
Other names: c.10564C>T (NM_024582.4); c.10570C>T, p.Arg3524Trp (NM_001291285.3); c.10564C>T, p.Arg3522Trp (NM_024582.6); short protein forms R3522W, R3524W.
Identifiers: ClinVar variation 1120690 (VCV001120690.9), dbSNP rs145569482, ClinGen allele CA3073703.

ClinVar aggregate classification (germline): Conflicting classifications of pathogenicity. Review status: criteria provided, conflicting classifications (1 of 4 stars). 2 submissions from 2 submitters: Uncertain significance (1); Likely benign (1). Last evaluated 2026-05-23.

Allele frequency attached by ClinVar (database versions not stated): gnomAD exomes 0.00012; ExAC 0.00016; 1000 Genomes Project 30x 0.00078; TOPMed 0.00022; ESP Exome Variant Server 0.00023; gnomAD 0.00031 and 0.00034; 1000 Genomes Project 0.00080.
gnomAD v4.1: 125 of 1,614,112 alleles (0.0077%); highest among the groups gnomAD compares: African/African-American, 0.089%; no homozygotes.

Submissions (2):

GeneDx
Classification: Uncertain significance. Last evaluated: 2026-05-23. Review status: criteria provided, single submitter. Criteria: GeneDx Variant Classification Process June 2021. Collection method: clinical testing. Allele origin: germline.
Comment: In silico analysis supports that this missense variant has a deleterious effect on protein structure/function; Has not been previously published as pathogenic or benign to our knowledge

Labcorp Genetics (formerly Invitae), Labcorp
Classification: Likely benign. Last evaluated: 2025-12-30. Review status: criteria provided, single submitter. Criteria: Invitae Variant Classification Sherloc (09022015). Collection method: clinical testing. Allele origin: germline.